The following is an entry in ClinVar:

NM_006129.5(BMP1):c.1019A>G (p.Asn340Ser)

Gene: BMP1 (bone morphogenetic protein 1; plus strand). Cytogenetic location: 8p21.3.
Variant type: single nucleotide variant.
Coding change: c.1019A>G on transcript NM_006129.5 (MANE Select); coding-DNA position 1019, A replaced by G.
Protein change: p.Asn340Ser; replaces asparagine 340 with serine.
Molecular consequence: missense variant. On other transcripts: non-coding transcript variant (2).
Genome position (GRCh38, 1-based): chr8:22,180,425, A>G. VCF-style: chr8-22180425-A-G. GRCh37 (hg19) VCF-style: chr8-22037938-A-G.
Other names: c.1019A>G, p.Asn340Ser (NM_001199.4); short protein forms N340S.
Identifiers: ClinVar variation 2967916 (VCV002967916.1), dbSNP rs1168774700, ClinGen allele CA370544023.
Genomic context (GRCh38, chr8:22,180,425, plus strand): 5'-CAGCCTGTGGAGAGACCCTGCAAGACAGCACAGGCAACTTCTCCTCCCCTGAATACCCCA[A>G]TGGCTACTCTGCTCACATGCACTGCGTGTGGCGCATCTCTGTCACACCCGGGGAGAAGGT-3'
Protein context (NP_006120.1, residues 330-350): TGNFSSPEYP[Asn340Ser]GYSAHMHCVW

ClinVar aggregate classification (germline): Uncertain significance (1 of 4 stars; one submission).

Allele frequency attached by ClinVar (database versions not stated): gnomAD exomes below 0.00001; gnomAD 0.00001; TOPMed 0.00001.
gnomAD v4.1: 3 of 1,613,868 alleles (0.00019%); highest among the groups gnomAD compares: African/African-American, 0.0027%; no homozygotes.

Submission:

Labcorp Genetics (formerly Invitae), Labcorp
Classification: Uncertain significance. Last evaluated: 2024-01-29. Review status: criteria provided, single submitter. Criteria: Invitae Variant Classification Sherloc (09022015). Collection method: clinical testing. Allele origin: germline.
Comment: This sequence change replaces asparagine, which is neutral and polar, with serine, which is neutral and polar, at codon 340 of the BMP1 protein (p.Asn340Ser). This variant is present in population databases (no rsID available, gnomAD 0.01%). This variant has not been reported in the literature in individuals affected with BMP1-related conditions. Advanced modeling of protein sequence and biophysical properties (such as structural, functional, and spatial information, amino acid conservation, physicochemical variation, residue mobility, and thermodynamic stability) performed at Invitae indicates that this missense variant is not expected to disrupt BMP1 protein function with a negative predictive value of 80%. In summary, the available evidence is currently insufficient to determine the role of this variant in disease. Therefore, it has been classified as a Variant of Uncertain Significance.